The following is an entry in ClinVar:

NM_000088.4(COL1A1):c.*1265C>T

Gene: COL1A1 (collagen type I alpha 1 chain; minus strand). Cytogenetic location: 17q21.33.
Variant type: single nucleotide variant.
Coding change: c.*1265C>T on transcript NM_000088.4 (MANE Select); 1265 bases downstream of the stop codon, C replaced by T.
Molecular consequence: 3 prime UTR variant.
Genome position (GRCh38, 1-based): chr17:50,184,237, G>A on the plus strand (C>T on the coding strand, the complement: COL1A1 is on the minus strand). VCF-style: chr17-50184237-G-A. GRCh37 (hg19) VCF-style: chr17-48261598-G-A.
Identifiers: ClinVar variation 324055 (VCV000324055.5), dbSNP rs567249120, ClinGen allele CA10649638.

ClinVar aggregate classification (germline): Benign/Likely benign. Review status: criteria provided, single submitter (1 of 4 stars). 3 submissions from 1 submitter: Benign (2); Likely benign (1). Last evaluated 2018-01-13.

Conditions:
Osteogenesis imperfecta (OI). Identifiers: Orphanet 666, MedGen C0029434, MeSH D010013, MONDO:0019019.
Infantile cortical hyperostosis. Also called: P1PK BLOOD GROUP SYSTEM, P(2) PHENOTYPE; Hyperostosis, Cortical, Congenital; Caffey Disease. Identifiers: Orphanet 1310, MedGen C0020497, MONDO:0007244, OMIM 114000.
Ehlers-Danlos syndrome, arthrochalasia type. Also called: ARTHROCHALASIS MULTIPLEX CONGENITA; EDS VII, MUTANT PROCOLLAGEN TYPE; EDS VIIA; Ehlers-Danlos syndrome, arthrochalasia type, 1; Ehlers-Danlos syndrome, arthrochalasis type. Identifiers: Orphanet 1899, Orphanet 99875, Orphanet 99876, MedGen C4551623, MONDO:0007525, OMIM 130060.

Allele frequency attached by ClinVar (database versions not stated): gnomAD 0.00003 and 0.00084; TOPMed 0.00015; gnomAD exomes 0.00032; 1000 Genomes Project 30x 0.00562; 1000 Genomes Project 0.00639.
gnomAD v4.1: 148 of 230,618 alleles (0.064%); highest among the groups gnomAD compares: South Asian, 2.6%; 4 homozygotes.

Submissions (3):

Illumina Laboratory Services, Illumina
Classification: Benign for Ehlers-Danlos syndrome, arthrochalasia type. Last evaluated: 2018-01-13. Review status: criteria provided, single submitter. Criteria: ICSL Variant Classification Criteria 13 December 2019. Collection method: clinical testing. Allele origin: germline.
Comment: This variant was observed in the ICSL laboratory as part of a predisposition screen in an ostensibly healthy population. It had not been previously curated by ICSL or reported in the Human Gene Mutation Database (HGMD: prior to June 1st, 2018), and was therefore a candidate for classification through an automated scoring system. Utilizing variant allele frequency, disease prevalence and penetrance estimates, and inheritance mode, an automated score was calculated to assess if this variant is too frequent to cause the disease. Based on the score and internal cut-off values, a variant classified as benign is not then subjected to further curation. The score for this variant resulted in a classification of benign for this disease.

Illumina Laboratory Services, Illumina
Classification: Likely benign for Infantile cortical hyperostosis. Last evaluated: 2018-01-13. Review status: criteria provided, single submitter. Criteria: ICSL Variant Classification Criteria 13 December 2019. Collection method: clinical testing. Allele origin: germline.
Comment: This variant was observed in the ICSL laboratory as part of a predisposition screen in an ostensibly healthy population. It had not been previously curated by ICSL or reported in the Human Gene Mutation Database (HGMD: prior to June 1st, 2018), and was therefore a candidate for classification through an automated scoring system. Utilizing variant allele frequency, disease prevalence and penetrance estimates, and inheritance mode, an automated score was calculated to assess if this variant is too frequent to cause the disease. Based on the score and internal cut-off values, a variant classified as likely benign is not then subjected to further curation. The score for this variant resulted in a classification of likely benign for this disease.

Illumina Laboratory Services, Illumina
Classification: Benign for Osteogenesis imperfecta. Last evaluated: 2018-01-13. Review status: criteria provided, single submitter. Criteria: ICSL Variant Classification Criteria 13 December 2019. Collection method: clinical testing. Allele origin: germline.
Comment: the same text as in the submission from Illumina Laboratory Services, Illumina above.